The following is an entry in ClinVar:

NM_001295.3(CCR1):c.903C>T (p.Tyr301=)

Gene: CCR1 (C-C motif chemokine receptor 1; minus strand). Cytogenetic location: 3p21.31.
Variant type: single nucleotide variant.
Coding change: c.903C>T on transcript NM_001295.3 (MANE Select); coding-DNA position 903, C replaced by T.
Protein change: p.Tyr301=; no amino-acid change (tyrosine 301 retained).
Molecular consequence: synonymous variant.
Genome position (GRCh38, 1-based): chr3:46,203,411, G>A on the plus strand (C>T on the coding strand, the complement: CCR1 is on the minus strand). VCF-style: chr3-46203411-G-A. GRCh37 (hg19) VCF-style: chr3-46244902-G-A.
Identifiers: ClinVar variation 771853 (VCV000771853.22), dbSNP rs141128686, ClinGen allele CA2353860.
Genomic context (GRCh38, chr3:46,203,411, plus strand): 5'-AGCCACACGCCTGTGGAACAACTGCCGCAGGTACTTCCGGAACCTCTCACCAACGAAGGC[G>A]TAGATCACTGGGTTGACACAGCAGTGCGTGTAGGCGATCACCTCCGTCACTTGCACAGCC-3'
Protein context (NP_001286.1, residues 291-311): YTHCCVNPVI[Tyr301=]AFVGERFRKY

ClinVar aggregate classification (germline): Benign/Likely benign. Review status: criteria provided, multiple submitters, no conflicts (2 of 4 stars). 3 submissions from 3 submitters: Benign (2); Likely benign (1). Last evaluated 2025-08-01.

Allele frequency attached by ClinVar (database versions not stated): 1000 Genomes Project 0.00060; 1000 Genomes Project 30x 0.00062; gnomAD exomes 0.00143 and 0.00193; ESP Exome Variant Server 0.00154; gnomAD 0.00161 and 0.00162; ExAC 0.00181; TOPMed 0.00219.
gnomAD v4.1: 2,439 of 1,614,174 alleles (0.15%); highest among the groups gnomAD compares: Middle Eastern, 0.96%; 6 homozygotes.

Submissions (3):

CeGaT Center for Human Genetics Tuebingen
Classification: Likely benign. Last evaluated: 2025-08-01. Review status: criteria provided, single submitter. Criteria: CeGaT Center For Human Genetics Tuebingen Variant Classification Criteria Version 2. Collection method: clinical testing. Allele origin: germline. Affected: yes. Observed: 3 variant alleles.
Comment: CCR1: BP4, BP7

Labcorp Genetics (formerly Invitae), Labcorp
Classification: Benign. Last evaluated: 2018-08-21. Review status: criteria provided, single submitter. Criteria: Invitae Variant Classification Sherloc (09022015). Collection method: clinical testing. Allele origin: germline.

Breakthrough Genomics
Classification: Benign. Review status: criteria provided, single submitter. Criteria: ACMG Guidelines, 2015. Collection method: not provided. Allele origin: germline. Inheritance: Unknown mechanism. Affected: yes.